The following is an entry in ClinVar:

ClinVar aggregate classification (germline): Uncertain significance (1 of 4 stars; one submission).

Conditions:
Joubert syndrome. Also called: CEREBELLOPARENCHYMAL DISORDER IV; JOUBERT-BOLTSHAUSER SYNDROME; Familial aplasia of the vermis. Identifiers: Orphanet 475, MedGen C5979921, MONDO:0018772.
Meckel-Gruber syndrome. Also called: DYSENCEPHALIA SPLANCHNOCYSTICA; GRUBER SYNDROME; Dysencephalia splachnocystica. Identifiers: Orphanet 564, MedGen C0265215, MONDO:0018921.

Submission:

Labcorp Genetics (formerly Invitae), Labcorp
Classification: Uncertain significance for Joubert syndrome; Meckel-Gruber syndrome. Last evaluated: 2022-05-25. Review status: criteria provided, single submitter. Criteria: Invitae Variant Classification Sherloc (09022015). Collection method: clinical testing. Allele origin: germline.
Comment: In summary, the available evidence is currently insufficient to determine the role of this variant in disease. Therefore, it has been classified as a Variant of Uncertain Significance. Algorithms developed to predict the effect of missense changes on protein structure and function output the following: SIFT: "Deleterious"; PolyPhen-2: "Benign"; Align-GVGD: "Class C0". The arginine amino acid residue is found in multiple mammalian species, which suggests that this missense change does not adversely affect protein function. This variant has not been reported in the literature in individuals affected with TCTN1-related conditions. This variant is not present in population databases (gnomAD no frequency). This sequence change replaces glycine, which is neutral and non-polar, with arginine, which is basic and polar, at codon 408 of the TCTN1 protein (p.Gly408Arg).

NM_001082538.3(TCTN1):c.1222G>A (p.Gly408Arg)

Gene: TCTN1 (tectonic family member 1; plus strand). Cytogenetic location: 12q24.11.
Variant type: single nucleotide variant.
Coding change: c.1222G>A on transcript NM_001082538.3 (MANE Select); coding-DNA position 1222, G replaced by A.
Protein change: p.Gly408Arg; replaces glycine 408 with arginine.
Molecular consequence: missense variant. On other transcripts: intron variant (2).
Genome position (GRCh38, 1-based): chr12:110,642,280, G>A. VCF-style: chr12-110642280-G-A. GRCh37 (hg19) VCF-style: chr12-111080085-G-A.
Other names: c.1222G>A, p.Gly408Arg (NM_001082537.3); c.1054G>A, p.Gly352Arg (NM_001173975.3); c.688G>A, p.Gly230Arg (NM_001319681.2); c.1180G>A, p.Gly394Arg (NM_024549.6); c.1010+653G>A (NM_001173976.2); c.1190+653G>A (NM_001319680.2); short protein forms G352R, G394R, G230R, G408R.
Identifiers: ClinVar variation 1998915 (VCV001998915.4), dbSNP rs2548913757, ClinGen allele CA386705383.
Genomic context (GRCh38, chr12:110,642,280, plus strand): 5'-AGGCAGTTGTCCCTTAACTGTCTGTGAATGTCTGGGATTATTCAGACCACAAATAGATAT[G>A]GACAGCTTACTATTCTTCATAGCACAACTGAGCAAGACTGCTTAGCACTGGAGGGGGTCC-3'
Protein context (NP_001076007.1, residues 398-418): SGIIQTTNRY[Gly408Arg]QLTILHSTTE